The following is an entry in ClinVar:

NM_014055.4(IFT81):c.751C>G (p.Arg251Gly)

Gene: IFT81 (intraflagellar transport 81; plus strand). Cytogenetic location: 12q24.11.
Variant type: single nucleotide variant.
Coding change: c.751C>G on transcript NM_014055.4 (MANE Select); coding-DNA position 751, C replaced by G.
Protein change: p.Arg251Gly; replaces arginine 251 with glycine.
Molecular consequence: missense variant. On other transcripts: 5 prime UTR variant (2), non-coding transcript variant (4).
Genome position (GRCh38, 1-based): chr12:110,136,830, C>G. VCF-style: chr12-110136830-C-G. GRCh37 (hg19) VCF-style: chr12-110574635-C-G.
Other names: c.751C>G, p.Arg251Gly (NM_001143779.2, NM_001347946.2, NM_031473.4); c.-16C>G (NM_001347947.2, NM_001347948.2); c.751C>G (NM_014055.3); short protein forms R251G.
Identifiers: ClinVar variation 1037557 (VCV001037557.7), dbSNP rs146931939, ClinGen allele CA6783178.

ClinVar aggregate classification (germline): Uncertain significance. Review status: criteria provided, multiple submitters, no conflicts (2 of 4 stars). 3 submissions from 3 submitters: Uncertain significance (3). Last evaluated 2025-08-01.

Conditions:
Inborn genetic diseases. Identifiers: MedGen C0950123, MeSH D030342.

Allele frequency attached by ClinVar (database versions not stated): TOPMed 0.00001; ESP Exome Variant Server 0.00008.
gnomAD v4.1: 125 of 1,611,256 alleles (0.0078%); highest among the groups gnomAD compares: Non-Finnish European, 0.01%; no homozygotes.

Submissions (3):

Ambry Genetics
Classification: Uncertain significance for Inborn genetic diseases. Last evaluated: 2025-08-01. Review status: criteria provided, single submitter. Criteria: Ambry Variant Classification Scheme 2023. Collection method: clinical testing. Allele origin: germline.

Blueprint Genetics
Classification: Uncertain significance. Last evaluated: 2022-11-19. Review status: criteria provided, single submitter. Criteria: ACMG Guidelines, 2015. Collection method: clinical testing. Allele origin: germline.

Labcorp Genetics (formerly Invitae), Labcorp
Classification: Uncertain significance. Last evaluated: 2022-08-23. Review status: criteria provided, single submitter. Criteria: Invitae Variant Classification Sherloc (09022015). Collection method: clinical testing. Allele origin: germline.
Comment: This sequence change replaces arginine, which is basic and polar, with glycine, which is neutral and non-polar, at codon 251 of the IFT81 protein (p.Arg251Gly). This variant is present in population databases (rs146931939, gnomAD 0.008%). This variant has not been reported in the literature in individuals affected with IFT81-related conditions. ClinVar contains an entry for this variant (Variation ID: 1037557). Algorithms developed to predict the effect of missense changes on protein structure and function are either unavailable or do not agree on the potential impact of this missense change (SIFT: "Deleterious"; PolyPhen-2: "Benign"; Align-GVGD: "Class C25"). In summary, the available evidence is currently insufficient to determine the role of this variant in disease. Therefore, it has been classified as a Variant of Uncertain Significance.